The following is an entry in ClinVar:

NM_000051.4(ATM):c.1236-10T>C

Gene: ATM (ATM serine/threonine kinase; plus strand). Cytogenetic location: 11q22.3.
Variant type: single nucleotide variant.
Coding change: c.1236-10T>C on transcript NM_000051.4 (MANE Select); 10 bases into the intron before coding-DNA position 1236, T replaced by C.
Molecular consequence: intron variant.
Genome position (GRCh38, 1-based): chr11:108,250,691, T>C. VCF-style: chr11-108250691-T-C. GRCh37 (hg19) VCF-style: chr11-108121418-T-C.
Other names: c.1236-10T>C (NM_001351834.2).
Identifiers: ClinVar variation 761164 (VCV000761164.12), dbSNP rs1364244917, ClinGen allele CA671373842.

ClinVar aggregate classification (germline): Likely benign. Review status: criteria provided, multiple submitters, no conflicts (2 of 4 stars). 3 submissions from 3 submitters: Likely benign (3). Last evaluated 2025-02-17.

Conditions:
Ataxia-telangiectasia syndrome (AT). Also called: Ataxia telangiectasia (A-T); Cerebello-oculocutaneous telangiectasia; Immunodeficiency with ataxia telangiectasia; LOUIS-BAR SYNDROME; ATAXIA-TELANGIECTASIA, FRESNO VARIANT; Ataxia-telangiectasia, complementation group D. Identifiers: Orphanet 100, MedGen C0004135, MONDO:0008840, OMIM 208900.
Familial cancer of breast. Also called: Hereditary breast cancer; BREAST CANCER, FAMILIAL; hereditary breast carcinoma. Identifiers: Orphanet 227535, MedGen C0346153, MONDO:0016419, OMIM 114480. Disease mechanism: loss of function.

Allele frequency attached by ClinVar (database versions not stated): gnomAD exomes below 0.00001; TOPMed below 0.00001.
gnomAD v4.1: 1 of 1,598,432 alleles (0.000063%); highest among the groups gnomAD compares: African/African-American, 0.0013%; no homozygotes.

Submissions (3):

Labcorp Genetics (formerly Invitae), Labcorp
Classification: Likely benign for Ataxia-telangiectasia syndrome. Last evaluated: 2025-02-17. Review status: criteria provided, single submitter. Criteria: Invitae Variant Classification Sherloc (09022015). Collection method: clinical testing. Allele origin: germline.

Myriad Genetics, Inc.
Classification: Likely benign for Familial cancer of breast. Last evaluated: 2024-04-26. Review status: criteria provided, single submitter. Criteria: Myriad Autosomal Dominant, Autosomal Recessive and X-Linked Classification Criteria (2023). Collection method: clinical testing. Allele origin: unknown.
Comment: This variant is considered likely benign. This variant is intronic and is not expected to impact mRNA splicing.

Women's Health and Genetics/Laboratory Corporation of America, LabCorp
Classification: Likely benign. Last evaluated: 2023-08-21. Review status: criteria provided, single submitter. Criteria: LabCorp Variant Classification Summary - May 2015. Collection method: clinical testing. Allele origin: germline.